The following is an entry in ClinVar:

NC_000020.10:g.(?_62078080)_(62078210_?)del

Gene: KCNQ2 (potassium voltage-gated channel subfamily Q member 2; minus strand). Cytogenetic location: 20q13.33.
Variant type: Deletion.
Identifiers: ClinVar variation 1456274 (VCV001456274.6).

ClinVar aggregate classification (germline): Pathogenic (1 of 4 stars; one submission).

Conditions:
Developmental and epileptic encephalopathy. Identifiers: MedGen C5779964, MONDO:0100620.

Submission:

Labcorp Genetics (formerly Invitae), Labcorp
Classification: Pathogenic for Early-infantile DEE. Last evaluated: 2021-12-30. Review status: criteria provided, single submitter. Criteria: Invitae Variant Classification Sherloc (09022015). Collection method: clinical testing. Allele origin: germline.
Comment: For these reasons, this variant has been classified as Pathogenic. This variant has not been reported in the literature in individuals affected with KCNQ2-related conditions. This variant is a gross deletion of the genomic region encompassing exon(s) 2 of the KCNQ2 gene. This deletion is out-of-frame, and is expected to create a premature termination codon and result in an absent or disrupted protein product. Loss-of-function variants in KCNQ2 are known to be pathogenic (PMID: 14534157, 23692823, 27779742).

Literature cited by the submitters: PubMed 14534157; PubMed 23692823; PubMed 27779742.